The following is an entry in ClinVar:

NM_000092.5(COL4A4):c.3347C>G (p.Ser1116Ter)

Gene: COL4A4 (collagen type IV alpha 4 chain; minus strand). Cytogenetic location: 2q36.3.
Variant type: single nucleotide variant.
Coding change: c.3347C>G on transcript NM_000092.5 (MANE Select); coding-DNA position 3347, C replaced by G.
Protein change: p.Ser1116Ter; replaces serine 1116 with a stop codon.
Molecular consequence: nonsense.
Genome position (GRCh38, 1-based): chr2:227,043,127, G>C on the plus strand (C>G on the coding strand, the complement: COL4A4 is on the minus strand). VCF-style: chr2-227043127-G-C. GRCh37 (hg19) VCF-style: chr2-227907843-G-C.
Other names: short protein forms S1116*.
Identifiers: ClinVar variation 984045 (VCV000984045.8), dbSNP rs1971792460, ClinGen allele CA350838480.

ClinVar aggregate classification (germline): Pathogenic/Likely pathogenic. Review status: criteria provided, multiple submitters, no conflicts (2 of 4 stars). 2 submissions from 2 submitters: Pathogenic (1); Likely pathogenic (1). Last evaluated 2023-10-08.

Conditions:
Autosomal recessive Alport syndrome (ATS2). Also called: ALPORT SYNDROME 2, AUTOSOMAL RECESSIVE; Alport syndrome type 2; COL4A4 Alport Syndrome and Thin Basement Membrane Nephropathy; COL4A3-Related Nephropathy. Identifiers: Orphanet 63, Orphanet 88919, MedGen C4746745, MONDO:0008762, OMIM 203780.

Submissions (2):

Labcorp Genetics (formerly Invitae), Labcorp
Classification: Pathogenic. Last evaluated: 2023-10-08. Review status: criteria provided, single submitter. Criteria: Invitae Variant Classification Sherloc (09022015). Collection method: clinical testing. Allele origin: germline.
Comment: This sequence change creates a premature translational stop signal (p.Ser1116*) in the COL4A4 gene. It is expected to result in an absent or disrupted protein product. Loss-of-function variants in COL4A4 are known to be pathogenic (PMID: 21196518, 24854265, 25307543). This variant is not present in population databases (gnomAD no frequency). This variant has not been reported in the literature in individuals affected with COL4A4-related conditions. ClinVar contains an entry for this variant (Variation ID: 984045). For these reasons, this variant has been classified as Pathogenic.

Myriad Genetics, Inc.
Classification: Likely pathogenic for Autosomal recessive Alport syndrome. Last evaluated: 2019-04-06. Review status: criteria provided, single submitter. Criteria: Myriad Women's Health Autosomal Recessive and X-Linked Classification Criteria (2019). Collection method: clinical testing. Allele origin: unknown.
Comment: NM_000092.4(COL4A4):c.3347C>G(S1116*) is expected to be pathogenic in the context of COL4A4-related Alport syndrome. This variant is predicted to lead to an abnormal or absent protein product due to the creation of a premature termination codon in COL4A4, a gene where loss-of-function variants are known to be pathogenic. Please note: this variant was assessed in the context of healthy population screening.

Literature cited by the submitters: PubMed 21196518 (cited by Labcorp Genetics (formerly Invitae), Labcorp); PubMed 24854265 (cited by Labcorp Genetics (formerly Invitae), Labcorp); PubMed 25307543 (cited by Labcorp Genetics (formerly Invitae), Labcorp).